The following is an entry in ClinVar:

NM_024809.5(TCTN2):c.1498del (p.Gln500fs)

Gene: TCTN2 (tectonic family member 2; plus strand). Cytogenetic location: 12q24.31.
Variant type: Deletion.
Coding change: c.1498del on transcript NM_024809.5 (MANE Select); coding-DNA position 1498, one base deleted (C; older notation c.1498delC).
Protein change: p.Gln500fs; shifts the reading frame from glutamine 500.
Molecular consequence: frameshift variant.
Genome position (GRCh38, 1-based): chr12:123,697,191, C deleted. VCF-style (leftmost placement, unchanged base first): chr12-123697190-TC-T. GRCh37 (hg19) VCF-style: chr12-124181737-TC-T.
Other names: c.1495del, p.Gln499fs (NM_001143850.3); c.1363delC, p.Gln455Serfs (NM_001410989.1); short protein forms Q499fs, Q500fs.
Identifiers: ClinVar variation 2177127 (VCV002177127.5), dbSNP rs757123597, ClinGen allele CA6861229.

ClinVar aggregate classification (germline): Pathogenic/Likely pathogenic. Review status: criteria provided, multiple submitters, no conflicts (2 of 4 stars). 2 submissions from 2 submitters: Pathogenic (1); Likely pathogenic (1). Last evaluated 2023-06-15.

Conditions:
Joubert syndrome. Also called: Familial aplasia of the vermis; JOUBERT-BOLTSHAUSER SYNDROME. Identifiers: Orphanet 475, MedGen C5979921, MONDO:0018772.
Meckel-Gruber syndrome. Also called: Dysencephalia splachnocystica; DYSENCEPHALIA SPLANCHNOCYSTICA; GRUBER SYNDROME. Identifiers: Orphanet 564, MedGen C0265215, MONDO:0018921.
TCTN2-related disorder. Also called: TCTN2-related disorders; TCTN2-related condition. Identifiers: MedGen CN239412.

Allele frequency attached by ClinVar (database versions not stated): TOPMed below 0.00001; gnomAD exomes 0.00001; ExAC 0.00006.

Submissions (2):

Labcorp Genetics (formerly Invitae), Labcorp
Classification: Pathogenic for Joubert syndrome; Meckel-Gruber syndrome. Last evaluated: 2023-06-15. Review status: criteria provided, single submitter. Criteria: Invitae Variant Classification Sherloc (09022015). Collection method: clinical testing. Allele origin: germline.
Comment: For these reasons, this variant has been classified as Pathogenic. ClinVar contains an entry for this variant (Variation ID: 2177127). This variant has not been reported in the literature in individuals affected with TCTN2-related conditions. This variant is present in population databases (rs757123597, gnomAD 0.007%). This sequence change creates a premature translational stop signal (p.Gln500Serfs*13) in the TCTN2 gene. It is expected to result in an absent or disrupted protein product. Loss-of-function variants in TCTN2 are known to be pathogenic (PMID: 21565611).

Blueprint Genetics
Classification: Likely pathogenic for TCTN2-related disorders. Last evaluated: 2023-02-23. Review status: criteria provided, single submitter. Criteria: ACMG Guidelines, 2015. Collection method: clinical testing. Allele origin: germline. Affected: yes. Observed: 2 variant alleles.

Literature cited by the submitters: PubMed 21565611 (cited by Labcorp Genetics (formerly Invitae), Labcorp).